The following is an entry in ClinVar:

ClinVar aggregate classification (germline): Pathogenic/Likely pathogenic. Review status: criteria provided, multiple submitters, no conflicts (2 of 4 stars). 9 submissions from 8 submitters: Pathogenic (5); Likely pathogenic (3). 1 of the submissions does not count toward it. Last evaluated 2026-08-06.

Conditions:
Hypochondroplasia (HCH). Identifiers: Orphanet 429, MedGen C0410529, MONDO:0007793, OMIM 146000. Disease mechanism: gain of function.
Muenke syndrome (MNKES). Also called: MUENKE NONSYNDROMIC CORONAL CRANIOSYNOSTOSIS. Identifiers: Orphanet 53271, MedGen C1864436, MONDO:0011274, OMIM 602849.
Camptodactyly-tall stature-scoliosis-hearing loss syndrome. Also called: CATSHL SYNDROME. Identifiers: Orphanet 85164, MedGen C1864852, MONDO:0012504, OMIM 610474.
Achondroplasia (ACH). Also called: Achondroplastic dwarfism. Identifiers: Orphanet 15, MedGen C0001080, MONDO:0007037, OMIM 100800. Disease mechanism: gain of function.
Severe achondroplasia-developmental delay-acanthosis nigricans syndrome. Also called: Severe achondroplasia with developmental delay and acanthosis nigricans; SADDAN dysplasia. Identifiers: Orphanet 85165, MedGen C2674173, MONDO:0014658, OMIM 616482.
Crouzon syndrome-acanthosis nigricans syndrome. Also called: CROUZONODERMOSKELETAL SYNDROME. Identifiers: Orphanet 93262, MedGen C2677099, MONDO:0012833, OMIM 612247.
Thanatophoric dysplasia type 1 (TD1). Also called: PLATYSPONDYLIC LETHAL SKELETAL DYSPLASIA, SAN DIEGO TYPE; Thanatophoric Dysplasia Type 1 (TD Type 1); LETHAL SHORT-LIMBED PLATYSPONDYLIC DWARFISM, SAN DIEGO TYPE. Identifiers: Orphanet 1860, Orphanet 2655, MedGen C1868678, MONDO:0008546, OMIM 187600. Disease mechanism: gain of function.
Thanatophoric dysplasia, type 2 (TD2). Also called: THANATOPHORIC DYSPLASIA WITH KLEEBLATTSCHAEDEL; THANATOPHORIC DYSPLASIA WITH STRAIGHT FEMURS AND CLOVERLEAF SKULL; Thanatophoric Dysplasia Type 2 (TD Type 2); CLOVERLEAF SKULL WITH THANATOPHORIC DWARFISM. Identifiers: Orphanet 2655, Orphanet 93274, MedGen C1300257, MONDO:0008547, OMIM 187601. Disease mechanism: gain of function.
Levy-Hollister syndrome (LADD). Also called: LADD syndrome. Identifiers: Orphanet 2363, MedGen C0265269, MONDO:0007872.
FGFR3-related chondrodysplasia. Identifiers: Orphanet 93420, MedGen C5681604, MONDO:0019685.
FGFR3-related disorder. Also called: FGFR3-related disorders.

Allele frequency attached by ClinVar (database versions not stated): TOPMed 0.00001.

Submissions (9):

Genetics Laboratory, Great Ormond Street Hospital NHS Foundation Trust, North Thames Genomic Laboratory Hub
Classification: Likely pathogenic for Hypochondroplasia. Last evaluated: 2026-08-06. Review status: criteria provided, single submitter. Criteria: ACGS Best Practice Guidelines for Variant Classification in Rare Disease 2024 v1.2. Collection method: clinical testing. Allele origin: germline. Affected: yes.
Comment: PS4_moderate, PM2_moderate, PP1_strong

Genomenon, Inc
Classification: Likely pathogenic for FGFR3-related chondrodysplasia. Last evaluated: 2026-06-23. Review status: criteria provided, single submitter. Criteria: Genomenon Sequence Variant Interpretation Standards - Updated. Collection method: curation. Allele origin: germline. Affected: yes.
Comment: FGFR3 p.Ser84Leu (c.251C>T) is a missense variant that changes the amino acid at codon 84 from Serine to Leucine. This variant has been observed in at least one proband with an FGFR3-related disorder (PMID:36373817;16912704). The variant was found to segregate with disease in at least one affected family. (PMID:36373817;16912704). It is absent or not present at a significant frequency in gnomAD. In silico models predict that this variant is not damaging. In conclusion, we classify FGFR3 p.Ser84Leu (c.251C>T) as a likely pathogenic variant.

Labcorp Genetics (formerly Invitae), Labcorp
Classification: Likely pathogenic. Last evaluated: 2025-03-14. Review status: criteria provided, single submitter. Criteria: Invitae Variant Classification Sherloc (09022015). Collection method: clinical testing. Allele origin: germline.
Comment: This sequence change replaces serine, which is neutral and polar, with leucine, which is neutral and non-polar, at codon 84 of the FGFR3 protein (p.Ser84Leu). This variant is not present in population databases (gnomAD no frequency). This missense change has been observed in individuals with FGFR3-related conditions (PMID: 16912704, 36373817, 36714562; internal data). It has also been observed to segregate with disease in related individuals. This variant is also known as c.250C>T. ClinVar contains an entry for this variant (Variation ID: 16358). Invitae Evidence Modeling of protein sequence and biophysical properties (such as structural, functional, and spatial information, amino acid conservation, physicochemical variation, residue mobility, and thermodynamic stability) has been performed for this missense variant. However, the output from this modeling did not meet the statistical confidence thresholds required to predict the impact of this variant on FGFR3 protein function. In summary, the currently available evidence indicates that the variant is pathogenic, but additional data are needed to prove that conclusively. Therefore, this variant has been classified as Likely Pathogenic.

Blueprint Genetics
Classification: Pathogenic for FGFR3-related disorders. Last evaluated: 2024-02-09. Review status: criteria provided, single submitter. Criteria: ACMG Guidelines, 2015. Collection method: clinical testing. Allele origin: germline. Affected: yes. Observed: 5 variant alleles.

Clinical Genetics Laboratory, Skane University Hospital Lund
Classification: Pathogenic. Last evaluated: 2023-12-12. Review status: criteria provided, single submitter. Criteria: ACMG Guidelines, 2015. Collection method: clinical testing. Allele origin: germline. Affected: yes.

Mendelics
Classification: Pathogenic for Achondroplasia. Last evaluated: 2022-05-04. Review status: criteria provided, single submitter. Criteria: Mendelics Assertion Criteria 2019. Collection method: clinical testing. Allele origin: germline.

Baylor Genetics
Classification: Pathogenic for Achondroplasia. Last evaluated: 2018-04-30. Review status: criteria provided, single submitter. Criteria: ACMG Guidelines, 2015. Collection method: clinical testing. Allele origin: paternal. Affected: yes.
Comment: This variant was determined to be pathogenic according to ACMG Guidelines, 2015 [PMID:25741868]. This variant has not been seen in the gnomAD database but has been previously reported in a three-generation family with hypochondroplasia [PMID 16912704] and in a two-generation family with short stature

Baylor Genetics
Classification: Pathogenic for Achondroplasia; Camptodactyly-tall stature-scoliosis-hearing loss syndrome; Crouzon syndrome-acanthosis nigricans syndrome; Hypochondroplasia; LADD syndrome 1; Muenke syndrome; Severe achondroplasia-developmental delay-acanthosis nigricans syndrome; Thanatophoric dysplasia type 1; Thanatophoric dysplasia, type 2. Last evaluated: 2017-12-31. Review status: criteria provided, single submitter. Criteria: ACMG Guidelines, 2015. Collection method: clinical testing. Allele origin: germline. Affected: yes.

OMIM
Classification: Pathogenic for HYPOCHONDROPLASIA. Last evaluated: 2006-12-01. Review status: no assertion criteria provided. Collection method: literature only. Allele origin: germline. Not counted in ClinVar's aggregate classification.

Literature cited by the submitters: PubMed 36373817 (cited by Genomenon, Inc and Labcorp Genetics (formerly Invitae), Labcorp); PubMed 16912704 (cited by 4 submitters); PubMed 36714562 (cited by Genomenon, Inc and Labcorp Genetics (formerly Invitae), Labcorp); PubMed 30681580 (cited by Genomenon, Inc); PubMed 29736252 (cited by Genomenon, Inc); PubMed 37019085 (cited by Genomenon, Inc).

NM_000142.5(FGFR3):c.251C>T (p.Ser84Leu)

Gene: FGFR3 (fibroblast growth factor receptor 3; plus strand). Cytogenetic location: 4p16.3.
Variant type: single nucleotide variant.
Coding change: c.251C>T on transcript NM_000142.5 (MANE Select); coding-DNA position 251, C replaced by T.
Protein change: p.Ser84Leu; replaces serine 84 with leucine.
Molecular consequence: missense variant. On other transcripts: non-coding transcript variant (1).
Genome position (GRCh38, 1-based): chr4:1,799,395, C>T. VCF-style: chr4-1799395-C-T. GRCh37 (hg19) VCF-style: chr4-1801122-C-T.
Other names: c.251C>T, p.Ser84Leu (NM_001163213.2, NM_001354809.2, NM_001354810.2 and 1 more transcripts); short protein forms S84L.
Identifiers: ClinVar variation 16358 (VCV000016358.16), dbSNP rs121913116, ClinGen allele CA341425.